The following is an entry in ClinVar:

NM_001077653.2(TBX20):c.292G>A (p.Ala98Thr)

Gene: TBX20 (T-box transcription factor 20; minus strand). Cytogenetic location: 7p14.2.
Variant type: single nucleotide variant.
Coding change: c.292G>A on transcript NM_001077653.2 (MANE Select); coding-DNA position 292, G replaced by A.
Protein change: p.Ala98Thr; replaces alanine 98 with threonine.
Molecular consequence: missense variant.
Genome position (GRCh38, 1-based): chr7:35,250,039, C>T on the plus strand (G>A on the coding strand, the complement: TBX20 is on the minus strand). VCF-style: chr7-35250039-C-T. GRCh37 (hg19) VCF-style: chr7-35289651-C-T.
Other names: c.292G>A, p.Ala98Thr (NM_001166220.1); short protein forms A98T.
Identifiers: ClinVar variation 2114637 (VCV002114637.4), dbSNP rs867045469, ClinGen allele CA156929393.

ClinVar aggregate classification (germline): Uncertain significance (1 of 4 stars; one submission).

Submission:

Labcorp Genetics (formerly Invitae), Labcorp
Classification: Uncertain significance. Last evaluated: 2022-03-25. Review status: criteria provided, single submitter. Criteria: Invitae Variant Classification Sherloc (09022015). Collection method: clinical testing. Allele origin: germline.
Comment: In summary, the available evidence is currently insufficient to determine the role of this variant in disease. Therefore, it has been classified as a Variant of Uncertain Significance. Algorithms developed to predict the effect of missense changes on protein structure and function (SIFT, PolyPhen-2, Align-GVGD) all suggest that this variant is likely to be tolerated. This variant has not been reported in the literature in individuals affected with TBX20-related conditions. This variant is not present in population databases (gnomAD no frequency). This sequence change replaces alanine, which is neutral and non-polar, with threonine, which is neutral and polar, at codon 98 of the TBX20 protein (p.Ala98Thr).